The following is an entry in ClinVar:

NM_001134363.3(RBM20):c.*1104G>A

Gene: RBM20 (RNA binding motif protein 20; plus strand). Cytogenetic location: 10q25.2.
Variant type: single nucleotide variant.
Coding change: c.*1104G>A on transcript NM_001134363.3 (MANE Select); 1104 bases downstream of the stop codon, G replaced by A.
Molecular consequence: 3 prime UTR variant.
Genome position (GRCh38, 1-based): chr10:110,837,082, G>A. VCF-style: chr10-110837082-G-A. GRCh37 (hg19) VCF-style: chr10-112596840-G-A.
Other names: c.*1104G>A (LRG_382t1).
Identifiers: ClinVar variation 298826 (VCV000298826.6), dbSNP rs11195349, ClinGen allele CA10628042.

ClinVar aggregate classification (germline): Benign. Review status: criteria provided, multiple submitters, no conflicts (2 of 4 stars). 2 submissions from 2 submitters: Benign (2). Last evaluated 2018-01-12.

Conditions:
Dilated cardiomyopathy 1DD (CMD1DD). Identifiers: Orphanet 154, MedGen C2750995, MONDO:0013168, OMIM 613172.

Allele frequency attached by ClinVar (database versions not stated): 1000 Genomes Project 0.27556; 1000 Genomes Project 30x 0.27686; TOPMed 0.32873; gnomAD 0.34260 and 0.34292; gnomAD exomes 0.37500.
gnomAD v4.1: 52,259 of 152,176 alleles (34%); highest among the groups gnomAD compares: Non-Finnish European, 45%; 10,340 homozygotes.

Submissions (2):

Illumina Laboratory Services, Illumina
Classification: Benign for Dilated cardiomyopathy 1DD. Last evaluated: 2018-01-12. Review status: criteria provided, single submitter. Criteria: ICSL Variant Classification Criteria 13 December 2019. Collection method: clinical testing. Allele origin: germline.
Comment: This variant was observed in the ICSL laboratory as part of a predisposition screen in an ostensibly healthy population. It had not been previously curated by ICSL or reported in the Human Gene Mutation Database (HGMD: prior to June 1st, 2018), and was therefore a candidate for classification through an automated scoring system. Utilizing variant allele frequency, disease prevalence and penetrance estimates, and inheritance mode, an automated score was calculated to assess if this variant is too frequent to cause the disease. Based on the score and internal cut-off values, a variant classified as benign is not then subjected to further curation. The score for this variant resulted in a classification of benign for this disease.

Breakthrough Genomics
Classification: Benign. Review status: criteria provided, single submitter. Criteria: ACMG Guidelines, 2015. Collection method: not provided. Allele origin: germline. Inheritance: Autosomal dominant inheritance. Affected: yes.